The following is an entry in ClinVar:

NM_001005361.3(DNM2):c.1153C>G (p.Arg385Gly)

Gene: DNM2 (dynamin 2; plus strand). Cytogenetic location: 19p13.2.
Variant type: single nucleotide variant.
Coding change: c.1153C>G on transcript NM_001005361.3 (MANE Select); coding-DNA position 1153, C replaced by G.
Protein change: p.Arg385Gly; replaces arginine 385 with glycine.
Molecular consequence: missense variant.
Genome position (GRCh38, 1-based): chr19:10,795,396, C>G. VCF-style: chr19-10795396-C-G. GRCh37 (hg19) VCF-style: chr19-10906072-C-G.
Other names: c.1153C>G, p.Arg385Gly (NM_001005360.3, NM_001005362.3, NM_001190716.2 and 1 more transcripts); short protein forms R385G.
Identifiers: ClinVar variation 4538236 (VCV004538236.1).

ClinVar aggregate classification (germline): Uncertain significance (1 of 4 stars; one submission).

gnomAD v4.1: 1 of 1,614,092 alleles (0.000062%); highest among the groups gnomAD compares: Non-Finnish European, 0.000085%; no homozygotes.

Submission:

Greenwood Genetic Center Diagnostic Laboratories, Greenwood Genetic Center
Classification: Uncertain significance. Last evaluated: 2025-05-14. Review status: criteria provided, single submitter. Criteria: ACMG Guidelines, 2015. Collection method: clinical testing. Allele origin: germline. Affected: yes.
Comment: PM2, PP2, PP3